The following is an entry in ClinVar:

NM_001378609.3(OTOGL):c.4795T>C (p.Cys1599Arg)

Gene: OTOGL (otogelin like; plus strand). Cytogenetic location: 12q21.31.
Variant type: single nucleotide variant.
Coding change: c.4795T>C on transcript NM_001378609.3 (MANE Select); coding-DNA position 4795, T replaced by C.
Protein change: p.Cys1599Arg; replaces cysteine 1599 with arginine.
Molecular consequence: missense variant.
Genome position (GRCh38, 1-based): chr12:80,336,939, T>C. VCF-style: chr12-80336939-T-C. GRCh37 (hg19) VCF-style: chr12-80730719-T-C.
Other names: c.4660T>C, p.Cys1554Arg (NM_001368062.3); c.4795T>C, p.Cys1599Arg (NM_001378610.3, NM_173591.7); short protein forms C1554R, C1599R.
Identifiers: ClinVar variation 1314903 (VCV001314903.7), dbSNP rs778681002, ClinGen allele CA6701517.

ClinVar aggregate classification (germline): Uncertain significance. Review status: criteria provided, multiple submitters, no conflicts (2 of 4 stars). 3 submissions from 3 submitters: Uncertain significance (3). Last evaluated 2026-09-22.

Conditions:
Inborn genetic diseases. Identifiers: MedGen C0950123, MeSH D030342.

Allele frequency attached by ClinVar (database versions not stated): TOPMed 0.00007; ExAC 0.00021; gnomAD exomes 0.00008.
gnomAD v4.1: 18 of 1,594,302 alleles (0.0011%); highest among the groups gnomAD compares: East Asian, 0.038%; no homozygotes.

Submissions (3):

GeneDx
Classification: Uncertain significance. Last evaluated: 2026-09-22. Review status: criteria provided, single submitter. Criteria: GeneDx Variant Classification Process June 2021. Collection method: clinical testing. Allele origin: germline.
Comment: In silico analysis supports that this missense variant has a deleterious effect on protein structure/function; Has not been previously published as pathogenic or benign to our knowledge

Labcorp Genetics (formerly Invitae), Labcorp
Classification: Uncertain significance. Last evaluated: 2024-05-28. Review status: criteria provided, single submitter. Criteria: Invitae Variant Classification Sherloc (09022015). Collection method: clinical testing. Allele origin: germline.
Comment: This sequence change replaces cysteine, which is neutral and slightly polar, with arginine, which is basic and polar, at codon 1590 of the OTOGL protein (p.Cys1590Arg). This variant is present in population databases (rs778681002, gnomAD 0.1%). This variant has not been reported in the literature in individuals affected with OTOGL-related conditions. ClinVar contains an entry for this variant (Variation ID: 1314903). An algorithm developed to predict the effect of missense changes on protein structure and function (PolyPhen-2) suggests that this variant is likely to be disruptive. In summary, the available evidence is currently insufficient to determine the role of this variant in disease. Therefore, it has been classified as a Variant of Uncertain Significance.

Ambry Genetics
Classification: Uncertain significance for Inborn genetic diseases. Last evaluated: 2023-05-05. Review status: criteria provided, single submitter. Criteria: Ambry Variant Classification Scheme 2023. Collection method: clinical testing. Allele origin: germline.